The following is an entry in ClinVar:

ClinVar aggregate classification (germline): Likely pathogenic. Review status: criteria provided, single submitter (1 of 4 stars). 2 submissions from 2 submitters: Likely pathogenic (1). 1 of the submissions does not count toward it. Last evaluated 2024-03-19.

Conditions:
Congenital lactic acidosis, Saguenay-Lac-Saint-Jean type (MC4DN5). Also called: MITOCHONDRIAL COMPLEX IV DEFICIENCY, NUCLEAR TYPE 5; CYTOCHROME c OXIDASE DEFICIENCY, FRENCH CANADIAN TYPE; COX DEFICIENCY, FRENCH CANADIAN TYPE. Identifiers: Orphanet 70472, MedGen C1857355, MONDO:0009069, OMIM 220111.

Submissions (2):

Natera, Inc.
Classification: Likely pathogenic for French-Canadian type Leigh syndrome. Last evaluated: 2024-03-19. Review status: criteria provided, single submitter. Criteria: Natera Variant Classification Schema (03/2026). Collection method: clinical testing. Allele origin: germline.
Comment: The c.2296+1G>A variant in LRPPRC is a canonical splice donor site variant predicted to affect pre-mRNA splicing, which may result in an abnormal transcript and altered protein product. This variant is expected to result in nonsense mediated decay, truncation, or a dysfunctional protein product. This variant is rare in the general population with a frequency below the threshold expected for the associated phenotype(s). Given the available evidence, this variant is classified as Likely Pathogenic.

Counsyl
Classification: Likely pathogenic for Congenital lactic acidosis, Saguenay-Lac-Saint-Jean type. Last evaluated: 2018-03-28. Review status: no assertion criteria provided. Collection method: clinical testing. Allele origin: unknown. Not counted in ClinVar's aggregate classification.

NM_133259.4(LRPPRC):c.2296+1G>A

Gene: LRPPRC (leucine rich pentatricopeptide repeat containing; minus strand). Cytogenetic location: 2p21.
Variant type: single nucleotide variant.
Coding change: c.2296+1G>A on transcript NM_133259.4 (MANE Select); the canonical splice donor site of the intron after coding-DNA position 2296, G replaced by A.
Molecular consequence: splice donor variant.
Genome position (GRCh38, 1-based): chr2:43,945,331, C>T on the plus strand (G>A on the coding strand, the complement: LRPPRC is on the minus strand). VCF-style: chr2-43945331-C-T. GRCh37 (hg19) VCF-style: chr2-44172470-C-T.
Identifiers: ClinVar variation 557499 (VCV000557499.3), dbSNP rs1553403303, ClinGen allele CA346673588.